The following is an entry in ClinVar:

ClinVar aggregate classification (germline): Uncertain significance. Review status: criteria provided, multiple submitters, no conflicts (2 of 4 stars). 2 submissions from 2 submitters: Uncertain significance (2). Last evaluated 2022-05-10.

Allele frequency attached by ClinVar (database versions not stated): gnomAD 0.00001; gnomAD exomes 0.00001.
gnomAD v4.1: 8 of 1,608,440 alleles (0.0005%); highest among the groups gnomAD compares: African/African-American, 0.0027%; no homozygotes.

Submissions (2):

Labcorp Genetics (formerly Invitae), Labcorp
Classification: Uncertain significance. Last evaluated: 2022-05-10. Review status: criteria provided, single submitter. Criteria: Invitae Variant Classification Sherloc (09022015). Collection method: clinical testing. Allele origin: germline.
Comment: This sequence change replaces tryptophan, which is neutral and slightly polar, with arginine, which is basic and polar, at codon 296 of the SLC24A1 protein (p.Trp296Arg). This variant is present in population databases (rs794727276, gnomAD 0.002%). This variant has not been reported in the literature in individuals affected with SLC24A1-related conditions. ClinVar contains an entry for this variant (Variation ID: 195230). Algorithms developed to predict the effect of missense changes on protein structure and function output the following: SIFT: "Tolerated"; PolyPhen-2: "Possibly Damaging"; Align-GVGD: "Class C0". The arginine amino acid residue is found in multiple mammalian species, which suggests that this missense change does not adversely affect protein function. In summary, the available evidence is currently insufficient to determine the role of this variant in disease. Therefore, it has been classified as a Variant of Uncertain Significance.

Eurofins Ntd Llc (ga)
Classification: Uncertain significance. Last evaluated: 2015-02-16. Review status: criteria provided, single submitter. Criteria: EGL Classification Definitions 2015. Collection method: clinical testing. Allele origin: germline. Observed: 1 variant allele, 1 heterozygote.

NM_004727.3(SLC24A1):c.886T>C (p.Trp296Arg)

Gene: SLC24A1 (solute carrier family 24 member 1; plus strand). Cytogenetic location: 15q22.31.
Variant type: single nucleotide variant.
Coding change: c.886T>C on transcript NM_004727.3 (MANE Select); coding-DNA position 886, T replaced by C.
Protein change: p.Trp296Arg; replaces tryptophan 296 with arginine.
Molecular consequence: missense variant.
Genome position (GRCh38, 1-based): chr15:65,624,966, T>C. VCF-style: chr15-65624966-T-C. GRCh37 (hg19) VCF-style: chr15-65917304-T-C.
Other names: c.886T>C, p.Trp296Arg (NM_001301031.1, NM_001301032.1, NM_001301033.2); short protein forms W296R.
Identifiers: ClinVar variation 195230 (VCV000195230.11), dbSNP rs794727276, ClinGen allele CA241560.
Genomic context (GRCh38, chr15:65,624,966, plus strand): 5'-ATGGAAAAAAACAACCTGTTTCCCCCCAGAAGAGTGGAAAGTAACAGCTCAGCCCATCCC[T>C]GGGGGTTAGTGGGAAAGAGCAACCCGAAGACTCCCCAGGGAACAGTCCTGTTGCATACCC-3'
Protein context (NP_004718.1, residues 286-306): RVESNSSAHP[Trp296Arg]GLVGKSNPKT